The following is an entry in ClinVar:

ClinVar aggregate classification (germline): Uncertain significance (1 of 4 stars; one submission).

gnomAD v4.1: 1 of 1,563,290 alleles (0.000064%); highest among the groups gnomAD compares: Non-Finnish European, 0.000087%; no homozygotes.

Submission:

GeneDx
Classification: Uncertain significance. Last evaluated: 2024-08-08. Review status: criteria provided, single submitter. Criteria: GeneDx Variant Classification Process June 2021. Collection method: clinical testing. Allele origin: germline. Affected: yes.
Comment: Not observed at significant frequency in large population cohorts (gnomAD); In silico analysis indicates that this missense variant does not alter protein structure/function; Has not been previously published as pathogenic or benign to our knowledge

NM_002693.3(POLG):c.500C>A (p.Pro167Gln)

Genes: POLG (DNA polymerase gamma, catalytic subunit; minus strand), POLGARF (POLG alternative reading frame; minus strand). Cytogenetic location: 15q26.1.
Variant type: single nucleotide variant.
Coding change: c.500C>A on transcript NM_002693.3 (MANE Select); coding-DNA position 500, C replaced by A.
Protein change: p.Pro167Gln; replaces proline 167 with glutamine.
Molecular consequence: missense variant. On other transcripts: synonymous variant (1).
Genome position (GRCh38, 1-based): chr15:89,333,255, G>T on the plus strand (C>A on the coding strand, the complement: POLG is on the minus strand). VCF-style: chr15-89333255-G-T. GRCh37 (hg19) VCF-style: chr15-89876486-G-T.
Other names: c.555C>A, p.Pro185= (NM_001430120.1); c.500C>A, p.Pro167Gln (NM_001126131.2); short protein forms P167Q.
Identifiers: ClinVar variation 3603066 (VCV003603066.1).
Genomic context (GRCh38, chr15:89,333,255, plus strand): 5'-ACGGGTACGGCCTCCCCCTCGGGGCCGTACCGGGTCCAGCCCTCCGCCCAGGCCCAAGCC[G>T]GGGGCTTCGGGGGCAGCTGGGCCTGCAACAGCAAGTTGGCCGCCTCCAGGTAGGGCAGGC-3'
Protein context (NP_002684.1, residues 157-177): LLQAQLPPKP[Pro167Gln]AWAWAEGWTR